The following is an entry in ClinVar:

NM_130384.3(ATRIP):c.2111C>G (p.Ala704Gly)

Genes: ATRIP (ATR interacting protein; plus strand), ATRIP-TREX1 (ATRIP-TREX1 readthrough; plus strand). Cytogenetic location: 3p21.31.
Variant type: single nucleotide variant.
Coding change: c.2111C>G on transcript NM_130384.3 (MANE Select); coding-DNA position 2111, C replaced by G.
Protein change: p.Ala704Gly; replaces alanine 704 with glycine.
Molecular consequence: missense variant. On other transcripts: non-coding transcript variant (1).
Genome position (GRCh38, 1-based): chr3:48,464,886, C>G. VCF-style: chr3-48464886-C-G. GRCh37 (hg19) VCF-style: chr3-48506285-C-G.
Other names: c.1730C>G, p.Ala577Gly (NM_001271022.2); c.1832C>G, p.Ala611Gly (NM_001271023.2); c.2030C>G, p.Ala677Gly (NM_032166.4); short protein forms A577G, A677G, A704G, A611G.
Identifiers: ClinVar variation 3975749 (VCV003975749.1).

ClinVar aggregate classification (germline): Uncertain significance (1 of 4 stars; one submission).

Submission:

Ambry Genetics
Classification: Uncertain significance. Last evaluated: 2025-03-25. Review status: criteria provided, single submitter. Criteria: Ambry Variant Classification Scheme 2023. Collection method: clinical testing. Allele origin: germline.
Comment: The p.A704G variant (also known as c.2111C>G), located in coding exon 12 of the ATRIP gene, results from a C to G substitution at nucleotide position 2111. The alanine at codon 704 is replaced by glycine, an amino acid with similar properties. This amino acid position is conserved. In addition, this alteration is predicted to be tolerated by in silico analysis. Based on the available evidence, the clinical significance of this variant remains unclear.